The following is an entry in ClinVar:

NM_001308120.2(TOGARAM1):c.549A>G (p.Gln183=)

Gene: TOGARAM1 (TOG array regulator of axonemal microtubules 1; plus strand). Cytogenetic location: 14q21.2.
Variant type: single nucleotide variant.
Coding change: c.549A>G on transcript NM_001308120.2 (MANE Select); coding-DNA position 549, A replaced by G.
Protein change: p.Gln183=; no amino-acid change (glutamine 183 retained).
Molecular consequence: synonymous variant. On other transcripts: non-coding transcript variant (1).
Genome position (GRCh38, 1-based): chr14:44,962,970, A>G. VCF-style: chr14-44962970-A-G. GRCh37 (hg19) VCF-style: chr14-45432173-A-G.
Other names: c.549A>G, p.Gln183= (NM_015091.4).
Identifiers: ClinVar variation 3778191 (VCV003778191.7).

ClinVar aggregate classification (germline): Likely benign (1 of 4 stars; one submission).

gnomAD v4.1: 88 of 1,614,204 alleles (0.0055%); highest among the groups gnomAD compares: African/African-American, 0.035%; 3 homozygotes.

Submission:

CeGaT Center for Human Genetics Tuebingen
Classification: Likely benign. Last evaluated: 2025-03-01. Review status: criteria provided, single submitter. Criteria: CeGaT Center For Human Genetics Tuebingen Variant Classification Criteria Version 2. Collection method: clinical testing. Allele origin: germline. Affected: yes. Observed: 1 variant allele.
Comment: TOGARAM1: BP4, BP7